The following is an entry in ClinVar:

NM_001429.4(EP300):c.1372C>G (p.Gln458Glu)

Gene: EP300 (EP300 lysine acetyltransferase; plus strand). Cytogenetic location: 22q13.2.
Variant type: single nucleotide variant.
Coding change: c.1372C>G on transcript NM_001429.4 (MANE Select); coding-DNA position 1372, C replaced by G.
Protein change: p.Gln458Glu; replaces glutamine 458 with glutamic acid.
Molecular consequence: missense variant.
Genome position (GRCh38, 1-based): chr22:41,131,477, C>G. VCF-style: chr22-41131477-C-G. GRCh37 (hg19) VCF-style: chr22-41527481-C-G.
Other names: c.1372C>G, p.Gln458Glu (NM_001362843.2); short protein forms Q458E.
Identifiers: ClinVar variation 2024546 (VCV002024546.4), dbSNP rs2518134738, ClinGen allele CA411685722.

ClinVar aggregate classification (germline): Uncertain significance (1 of 4 stars; one submission).

Conditions:
Rubinstein-Taybi syndrome due to EP300 haploinsufficiency. Also called: EP300-Related Rubinstein-Taybi Syndrome; RUBINSTEIN-TAYBI SYNDROME 2. Identifiers: Orphanet 353284, Orphanet 783, MedGen C3150941, MONDO:0013364, OMIM 613684.

Allele frequency attached by ClinVar (database versions not stated): gnomAD exomes below 0.00001.
gnomAD v4.1: 1 of 1,614,074 alleles (0.000062%); highest among the groups gnomAD compares: Non-Finnish European, 0.000085%; no homozygotes.

Submission:

Labcorp Genetics (formerly Invitae), Labcorp
Classification: Uncertain significance for Rubinstein-Taybi syndrome due to EP300 haploinsufficiency. Last evaluated: 2022-09-16. Review status: criteria provided, single submitter. Criteria: Invitae Variant Classification Sherloc (09022015). Collection method: clinical testing. Allele origin: germline.
Comment: In summary, the available evidence is currently insufficient to determine the role of this variant in disease. Therefore, it has been classified as a Variant of Uncertain Significance. Advanced modeling of protein sequence and biophysical properties (such as structural, functional, and spatial information, amino acid conservation, physicochemical variation, residue mobility, and thermodynamic stability) performed at Invitae indicates that this missense variant is not expected to disrupt EP300 protein function. This variant has not been reported in the literature in individuals affected with EP300-related conditions. This variant is not present in population databases (gnomAD no frequency). This sequence change replaces glutamine, which is neutral and polar, with glutamic acid, which is acidic and polar, at codon 458 of the EP300 protein (p.Gln458Glu).